The following is an entry in ClinVar:

ClinVar aggregate classification (germline): Uncertain significance (1 of 4 stars; one submission).

Conditions:
Cardiomyopathy (CMYO). Also called: Cardiomyopathies. Identifiers: Orphanet 167848, MedGen C0878544, MONDO:0004994, HP:0001638. Inheritance: Various modes of inheritance.

Submission:

Color Diagnostics, LLC DBA Color Health
Classification: Uncertain significance for Cardiomyopathy. Last evaluated: 2021-04-19. Review status: criteria provided, single submitter. Criteria: ACMG Guidelines, 2015. Collection method: clinical testing. Allele origin: germline.
Comment: This variant changes 1 nucleotide in exon 5 of the TNNI3 gene, creating a premature translation stop signal. This variant is expected to result in an absent or non-functional protein product. To our knowledge, this variant has not been reported in individuals affected with cardiovascular disorders in the literature. This variant has not been identified in the general population by the Genome Aggregation Database (gnomAD). The role of loss-of-function TNNI3 truncation and splice variants in autosomal dominant cardiovascular disorders is not clearly established. The available evidence is insufficient to determine the role of this variant in disease conclusively. Therefore, this variant is classified as a Variant of Uncertain Significance.

NM_000363.5(TNNI3):c.241C>T (p.Gln81Ter)

Gene: TNNI3 (troponin I3, cardiac type; minus strand). Cytogenetic location: 19q13.42.
Variant type: single nucleotide variant.
Coding change: c.241C>T on transcript NM_000363.5 (MANE Select); coding-DNA position 241, C replaced by T.
Protein change: p.Gln81Ter; replaces glutamine 81 with a stop codon.
Molecular consequence: nonsense.
Genome position (GRCh38, 1-based): chr19:55,156,242, G>A on the plus strand (C>T on the coding strand, the complement: TNNI3 is on the minus strand). VCF-style: chr19-55156242-G-A. GRCh37 (hg19) VCF-style: chr19-55667610-G-A.
Other names: short protein forms Q81*.
Identifiers: ClinVar variation 1332632 (VCV001332632.2), dbSNP rs2147284889, ClinGen allele CA407441733.